The following is an entry in ClinVar:

NM_000264.5(PTCH1):c.3740C>T (p.Ala1247Val)

Gene: PTCH1 (patched 1; minus strand). Cytogenetic location: 9q22.32.
Variant type: single nucleotide variant.
Coding change: c.3740C>T on transcript NM_000264.5 (MANE Select); coding-DNA position 3740, C replaced by T.
Protein change: p.Ala1247Val; replaces alanine 1247 with valine.
Molecular consequence: missense variant. On other transcripts: non-coding transcript variant (1).
Genome position (GRCh38, 1-based): chr9:95,449,133, G>A on the plus strand (C>T on the coding strand, the complement: PTCH1 is on the minus strand). VCF-style: chr9-95449133-G-A. GRCh37 (hg19) VCF-style: chr9-98211415-G-A.
Other names: c.3542C>T, p.Ala1181Val (NM_001083602.3); c.3737C>T, p.Ala1246Val (NM_001083603.3); c.3287C>T, p.Ala1096Val (NM_001083604.3, NM_001083605.3, NM_001083606.3 and 1 more transcripts); c.3584C>T, p.Ala1195Val (NM_001354918.2); short protein forms A1181V, A1195V, A1246V, A1096V, A1247V.
Identifiers: ClinVar variation 1392406 (VCV001392406.10), dbSNP rs1588516924, ClinGen allele CA374111027.
Genomic context (GRCh38, chr9:95,449,133, plus strand): 5'-GAGTGGGCGAAGACGGGGTTTTCTGTGGCTTCCACGATCACTTGGTGGGCAGGGCCTCCC[G>A]CGCCCTGCTGGGCCTCGTAGTGCCGAAGCTCCTCGCTGAGGCCTGACACTGTCGTCTGGG-3'
Protein context (NP_000255.2, residues 1237-1257): ELRHYEAQQG[Ala1247Val]GGPAHQVIVE

ClinVar aggregate classification (germline): Conflicting classifications of pathogenicity. Review status: criteria provided, conflicting classifications (1 of 4 stars). 3 submissions from 3 submitters: Uncertain significance (2); Likely benign (1). Last evaluated 2026-07-01.

Conditions:
Hereditary cancer-predisposing syndrome. Also called: Hereditary Cancer Syndrome; Neoplastic Syndromes, Hereditary; Hereditary neoplastic syndrome; Tumor predisposition. Identifiers: Orphanet 140162, MedGen C0027672, MeSH D009386, MONDO:0015356.
Gorlin syndrome. Also called: Nevoid Basal Cell Carcinoma Syndrome; Basal cell nevus syndrome. Identifiers: Orphanet 377, MedGen C0004779, MONDO:0007187.

Allele frequency attached by ClinVar (database versions not stated): gnomAD exomes below 0.00001.
gnomAD v4.1: 1 of 1,614,120 alleles (0.000062%); highest among the groups gnomAD compares: East Asian, 0.0022%; no homozygotes.

Submissions (3):

Ambry Genetics
Classification: Likely benign for Hereditary cancer-predisposing syndrome. Last evaluated: 2026-07-01. Review status: criteria provided, single submitter. Criteria: Ambry Variant Classification Scheme 2023. Collection method: clinical testing. Allele origin: germline.

Labcorp Genetics (formerly Invitae), Labcorp
Classification: Uncertain significance for Gorlin syndrome. Last evaluated: 2025-08-18. Review status: criteria provided, single submitter. Criteria: Invitae Variant Classification Sherloc (09022015). Collection method: clinical testing. Allele origin: germline.
Comment: This sequence change replaces alanine, which is neutral and non-polar, with valine, which is neutral and non-polar, at codon 1247 of the PTCH1 protein (p.Ala1247Val). This variant is not present in population databases (gnomAD no frequency). This variant has not been reported in the literature in individuals affected with PTCH1-related conditions. ClinVar contains an entry for this variant (Variation ID: 1392406). Invitae Evidence Modeling of protein sequence and biophysical properties (such as structural, functional, and spatial information, amino acid conservation, physicochemical variation, residue mobility, and thermodynamic stability) indicates that this missense variant is not expected to disrupt PTCH1 protein function with a negative predictive value of 95%. In summary, the available evidence is currently insufficient to determine the role of this variant in disease. Therefore, it has been classified as a Variant of Uncertain Significance.

Sema4
Classification: Uncertain significance for Hereditary cancer-predisposing syndrome. Last evaluated: 2021-08-25. Review status: criteria provided, single submitter. Criteria: Sema4 Curation Guidelines. Collection method: curation. Allele origin: germline.
Comment: The PTCH1 c.3740C>T (p.A1247V) variant has not been reported in the literature to our knowledge. This variant is not reported in the population database Genome Aggregation Database (PMID: 32461654), nor in ClinVar. Functional studies have not been performed, and in silico predictions of the variant's effect on protein function are inconclusive. The evidence is insufficient to meet ACMG/AMP criteria for classifying the variant as benign or pathogenic. Thus, the clinical significance of this variant is currently uncertain.